The following is an entry in ClinVar:

NM_020937.4(FANCM):c.3432C>G (p.Phe1144Leu)

Gene: FANCM (FA complementation group M; plus strand). Cytogenetic location: 14q21.2.
Variant type: single nucleotide variant.
Coding change: c.3432C>G on transcript NM_020937.4 (MANE Select); coding-DNA position 3432, C replaced by G.
Protein change: p.Phe1144Leu; replaces phenylalanine 1144 with leucine.
Molecular consequence: missense variant.
Genome position (GRCh38, 1-based): chr14:45,176,186, C>G. VCF-style: chr14-45176186-C-G. GRCh37 (hg19) VCF-style: chr14-45645389-C-G.
Other names: c.3354C>G, p.Phe1118Leu (NM_001308133.2); short protein forms F1144L, F1118L.
Identifiers: ClinVar variation 3848487 (VCV003848487.1).

ClinVar aggregate classification (germline): Uncertain significance (1 of 4 stars; one submission).

Conditions:
Inborn genetic diseases. Identifiers: MedGen C0950123, MeSH D030342.

gnomAD v4.1: 3 of 1,614,000 alleles (0.00019%); highest among the groups gnomAD compares: African/African-American, 0.0027%; no homozygotes.

Submission:

Ambry Genetics
Classification: Uncertain significance for Inborn genetic diseases. Last evaluated: 2024-12-12. Review status: criteria provided, single submitter. Criteria: Ambry Variant Classification Scheme 2023. Collection method: clinical testing. Allele origin: germline.
Comment: The p.F1144L variant (also known as c.3432C>G), located in coding exon 14 of the FANCM gene, results from a C to G substitution at nucleotide position 3432. The phenylalanine at codon 1144 is replaced by leucine, an amino acid with highly similar properties. This amino acid position is conserved. In addition, this alteration is predicted to be tolerated by in silico analysis. Based on the available evidence, the clinical significance of this variant remains unclear.